The following is an entry in ClinVar:

ClinVar aggregate classification (germline): Pathogenic (1 of 4 stars; one submission).

Conditions:
Aicardi-Goutieres syndrome 5. Identifiers: Orphanet 51, MedGen C2749659, MONDO:0013059, OMIM 612952.

Submission:

Labcorp Genetics (formerly Invitae), Labcorp
Classification: Pathogenic for Aicardi-Goutieres syndrome 5. Last evaluated: 2022-10-03. Review status: criteria provided, single submitter. Criteria: Invitae Variant Classification Sherloc (09022015). Collection method: clinical testing. Allele origin: germline.
Comment: This variant has not been reported in the literature in individuals affected with SAMHD1-related conditions. For these reasons, this variant has been classified as Pathogenic. Algorithms developed to predict the effect of sequence changes on RNA splicing suggest that this variant may create or strengthen a splice site. ClinVar contains an entry for this variant (Variation ID: 1399339). This variant is not present in population databases (gnomAD no frequency). This sequence change creates a premature translational stop signal (p.Lys66*) in the SAMHD1 gene. It is expected to result in an absent or disrupted protein product. Loss-of-function variants in SAMHD1 are known to be pathogenic (PMID: 19525956, 22461318).

Literature cited by the submitters: PubMed 19525956; PubMed 22461318.

NM_015474.4(SAMHD1):c.196A>T (p.Lys66Ter)

Gene: SAMHD1 (SAM and HD domain containing deoxynucleoside triphosphate triphosphohydrolase 1; minus strand). Cytogenetic location: 20q11.23.
Variant type: single nucleotide variant.
Coding change: c.196A>T on transcript NM_015474.4 (MANE Select); coding-DNA position 196, A replaced by T.
Protein change: p.Lys66Ter; replaces lysine 66 with a stop codon.
Molecular consequence: nonsense.
Genome position (GRCh38, 1-based): chr20:36,951,448, T>A on the plus strand (A>T on the coding strand, the complement: SAMHD1 is on the minus strand). VCF-style: chr20-36951448-T-A. GRCh37 (hg19) VCF-style: chr20-35579851-T-A.
Other names: c.196A>T, p.Lys66Ter (NM_001363729.2, NM_001363733.2); short protein forms K66*.
Identifiers: ClinVar variation 1399339 (VCV001399339.6), dbSNP rs2146160463, ClinGen allele CA408831821.
Genomic context (GRCh38, chr20:36,951,448, plus strand): 5'-CGCCCCAGGTCGCCGCCCTTCGCCCCTCAGCCCCTCCGGAGCCGCTACCTCGGATGTTCT[T>A]CAGCAGCACCGGCTCTTCAAAGCCACCGCGCCTGAGGAAGGAGCACACCTGCTCCGGACC-3'